The following is an entry in ClinVar:

ClinVar aggregate classification (germline): Uncertain significance (1 of 4 stars; one submission).

Allele frequency attached by ClinVar (database versions not stated): gnomAD exomes 0.00001; gnomAD 0.00002; TOPMed 0.00002.
gnomAD v4.1: 4 of 1,209,322 alleles (0.00033%); highest among the groups gnomAD compares: African/African-American, 0.0035%; no homozygotes.

Submission:

GeneDx
Classification: Uncertain significance. Last evaluated: 2021-11-16. Review status: criteria provided, single submitter. Criteria: GeneDx Variant Classification Process June 2021. Collection method: clinical testing. Allele origin: germline. Affected: yes.
Comment: In silico analysis supports that this missense variant does not alter protein structure/function; Has not been previously published as pathogenic or benign to our knowledge

NM_001008537.3(NEXMIF):c.1855G>A (p.Val619Met)

Gene: NEXMIF (neurite extension and migration factor; minus strand). Cytogenetic location: Xq13.3.
Variant type: single nucleotide variant.
Coding change: c.1855G>A on transcript NM_001008537.3 (MANE Select); coding-DNA position 1855, G replaced by A.
Protein change: p.Val619Met; replaces valine 619 with methionine.
Molecular consequence: missense variant.
Genome position (GRCh38, 1-based): chrX:74,742,702, C>T on the plus strand (G>A on the coding strand, the complement: NEXMIF is on the minus strand). VCF-style: chrX-74742702-C-T. GRCh37 (hg19) VCF-style: chrX-73962537-C-T.
Other names: short protein forms V619M.
Identifiers: ClinVar variation 1326546 (VCV001326546.2), dbSNP rs946890461, ClinGen allele CA331301773.